The following is an entry in ClinVar:

NM_002691.4(POLD1):c.1137+3A>T

Gene: POLD1 (DNA polymerase delta 1, catalytic subunit; plus strand). Cytogenetic location: 19q13.33.
Variant type: single nucleotide variant.
Coding change: c.1137+3A>T on transcript NM_002691.4 (MANE Select); 3 bases into the intron after coding-DNA position 1137, A replaced by T.
Molecular consequence: intron variant.
Genome position (GRCh38, 1-based): chr19:50,403,222, A>T. VCF-style: chr19-50403222-A-T. GRCh37 (hg19) VCF-style: chr19-50906479-A-T.
Other names: c.1137+3A>T (LRG_785t1, LRG_785t2, NM_001256849.1 and 1 more transcripts).
Identifiers: ClinVar variation 469178 (VCV000469178.6), dbSNP rs1064796024, ClinGen allele CA658658834.
Genomic context (GRCh38, chr19:50,403,222, plus strand): 5'-TGCCCCCATCCTGGGTGCCAAGGTGCAGAGCTACGAGAAGGAGGAGGACCTGCTGCAGGT[A>T]GCTCTCGCTCCACGCCCCACACCATTTCCCGGGGTCCCCGCCAGCCTCCGCGTCCTGAGC-3'

ClinVar aggregate classification (germline): Uncertain significance (1 of 4 stars; one submission).

Conditions:
POLD1-related polyposis and colorectal cancer syndrome (CRCS10). Also called: Colorectal cancer 10; COLORECTAL CANCER, SUSCEPTIBILITY TO, ON CHROMOSOME 19q; Colorectal cancer, susceptibility to, 10. Identifiers: Orphanet 220460, MedGen C2675481, MONDO:0012953, OMIM 612591.

Submission:

Labcorp Genetics (formerly Invitae), Labcorp
Classification: Uncertain significance for POLD1-related polyposis and colorectal cancer syndrome. Last evaluated: 2025-09-10. Review status: criteria provided, single submitter. Criteria: Invitae Variant Classification Sherloc (09022015). Collection method: clinical testing. Allele origin: germline.
Comment: This sequence change falls in intron 9 of the POLD1 gene. It does not directly change the encoded amino acid sequence of the POLD1 protein. It affects a nucleotide within the consensus splice site. This variant is not present in population databases (gnomAD no frequency). This variant has not been reported in the literature in individuals affected with POLD1-related conditions. ClinVar contains an entry for this variant (Variation ID: 469178). Variants that disrupt the consensus splice site are a relatively common cause of aberrant splicing (PMID: 17576681, 9536098). Algorithms developed to predict the effect of sequence changes on RNA splicing suggest that this variant may disrupt the consensus splice site. In summary, the available evidence is currently insufficient to determine the role of this variant in disease. Therefore, it has been classified as a Variant of Uncertain Significance.

Literature cited by the submitters: PubMed 17576681; PubMed 9536098.